The following is an entry in ClinVar:

ClinVar aggregate classification (germline): Likely pathogenic. Review status: reviewed by expert panel (3 of 4 stars). 2 submissions from 2 submitters: Likely pathogenic (1). 1 of the submissions does not count toward it. Last evaluated 2025-04-11.

Conditions:
Arginine:glycine amidinotransferase deficiency (CCDS3). Also called: L-Arginine:Glycine Amidinotransferase (AGAT) Deficiency; AGAT deficiency; Creatine deficiency syndrome due to AGAT deficiency; GATM deficiency; Cerebral creatine deficiency syndrome 3; L-Arginine:Glycine Amidinotransferase Deficiency. Identifiers: Orphanet 35704, MedGen C2675179, MONDO:0012996, OMIM 612718.

Submissions (2):

ClinGen Cerebral Creatine Deficiency Syndromes Variant Curation Expert Panel, ClinGen
Classification: Likely pathogenic for Arginine:glycine amidinotransferase deficiency. Last evaluated: 2025-04-11. Review status: reviewed by expert panel. Criteria: ClinGen CCDS ACMG Specifications GATM V2.0.0. Collection method: curation. Allele origin: germline. Inheritance: Autosomal recessive inheritance.
Comment: The NM_001482.3:c.608A>C variant in GATM is a missense variant that is predicted to result in substitution of tyrosine by serine at amino acid 203 (p.Tyr203Ser). This variant has been previously reported in two siblings (PMID: 23770102), both of whom showed significantly decreased creatine peak on H1-MRS and low GAA in plasma and low creatine in plasma (PP4_Strong). The variant is absent in gnomAD v4.1.0. (PM2_Supporting). When expressed in HeLa cells, the variant had 0% of wild-type GATM activity (PMID: 27233232) (PS3_Supporting). The computational predictor REVEL gives a score of 0.64 which is neither above nor below the thresholds predicting a damaging (>0.644) or benign (<0.29) impact on AGAT function. SpliceAI predicts that the variant has no impact on splicing. There is a ClinVar entry for this variant (Variation ID: 55921). In summary, this variant meets the criteria to be classified as likely pathogenic for AGAT deficiency. GATM-specific ACMG/AMP codes met, as specified by the ClinGen Cerebral Creatine Deficiency Syndromes VCEP (Specifications Version 2.0.0): PP4_Strong, PS3_Supporting, PM3_Supporting, PM2_Supporting. (Classification approved by the ClinGen CCDS VCEP on April 11, 2025).

OMIM
Classification: Pathogenic for CEREBRAL CREATINE DEFICIENCY SYNDROME 3. Last evaluated: 2013-08-01. Review status: no assertion criteria provided. Collection method: literature only. Allele origin: germline. Not counted in ClinVar's aggregate classification.

Literature cited by the submitters: PubMed 23770102 (cited by OMIM).

NM_001482.3(GATM):c.608A>C (p.Tyr203Ser)

Gene: GATM (glycine amidinotransferase; minus strand). Cytogenetic location: 15q21.1.
Variant type: single nucleotide variant.
Coding change: c.608A>C on transcript NM_001482.3 (MANE Select); coding-DNA position 608, A replaced by C.
Protein change: p.Tyr203Ser; replaces tyrosine 203 with serine.
Molecular consequence: missense variant.
Genome position (GRCh38, 1-based): chr15:45,368,137, T>G on the plus strand (A>C on the coding strand, the complement: GATM is on the minus strand). VCF-style: chr15-45368137-T-G. GRCh37 (hg19) VCF-style: chr15-45660335-T-G.
Other names: NM_001482.3(GATM):c.608A>C; c.221A>C, p.Tyr74Ser (NM_001321015.2); short protein forms Y203S, Y74S.
Identifiers: ClinVar variation 55921 (VCV000055921.4), dbSNP rs397514709, ClinGen allele CA263244.